The following is an entry in ClinVar:

NC_000002.11:g.(?_31588418)_(31589011_?)del

Gene: XDH (xanthine dehydrogenase; minus strand). Cytogenetic location: 2p23.1.
Variant type: Deletion.
Identifiers: ClinVar variation 2422981 (VCV002422981.4).

ClinVar aggregate classification (germline): Pathogenic (1 of 4 stars; one submission).

Conditions:
Xanthinuria type II. Also called: Xanthine dehydrogenase and aldehyde oxidase combined deficiency of; XDH and AOX dual deficiency. Identifiers: Orphanet 3467, Orphanet 93602, MedGen C1863688, MONDO:0011346, OMIM 603592.

Submission:

Labcorp Genetics (formerly Invitae), Labcorp
Classification: Pathogenic for Xanthinuria type II. Last evaluated: 2022-09-21. Review status: criteria provided, single submitter. Criteria: Invitae Variant Classification Sherloc (09022015). Collection method: clinical testing. Allele origin: germline.
Comment: For these reasons, this variant has been classified as Pathogenic. This variant has not been reported in the literature in individuals affected with XDH-related conditions. This variant is a gross deletion of the genomic region encompassing exon(s) 22 of the XDH gene. This deletion is out-of-frame, and is expected to create a premature termination codon and result in an absent or disrupted protein product. Loss-of-function variants in XDH are known to be pathogenic (PMID: 9153281).

Literature cited by the submitters: PubMed 9153281.